The following is an entry in ClinVar:

NM_016034.5(MRPS2):c.147C>T (p.Ile49=)

Gene: MRPS2 (mitochondrial ribosomal protein S2; plus strand). Cytogenetic location: 9q34.3.
Variant type: single nucleotide variant.
Coding change: c.147C>T on transcript NM_016034.5 (MANE Select); coding-DNA position 147, C replaced by T.
Protein change: p.Ile49=; no amino-acid change (isoleucine 49 retained).
Molecular consequence: synonymous variant. On other transcripts: non-coding transcript variant (4).
Genome position (GRCh38, 1-based): chr9:135,501,101, C>T. VCF-style: chr9-135501101-C-T. GRCh37 (hg19) VCF-style: chr9-138392947-C-T.
Other names: c.147C>T, p.Ile49= (NM_001371401.1).
Identifiers: ClinVar variation 5040397 (VCV005040397.1).
Genomic context (GRCh38, chr9:135,501,101, plus strand): 5'-GACCCCCCGGCCTGCTCGGCCGAGCCGCAGGACGCTTGGAAGCGCGACGGCCCTTATGAT[C>T]CGCGAGTCGGAGGACAGCACCGGTAACACTGGGCGCCCAGCCGAGTTGGGTGGGAACGAG-3'
Protein context (NP_057118.1, residues 39-59): RTLGSATALM[Ile49=]RESEDSTDFN

ClinVar aggregate classification (germline): Likely benign (1 of 4 stars; one submission).

gnomAD v4.1: 1 of 1,603,706 alleles (0.000062%); highest among the groups gnomAD compares: Admixed American, 0.0017%; no homozygotes.

Submission:

CeGaT Center for Human Genetics Tuebingen
Classification: Likely benign. Last evaluated: 2026-08-01. Review status: criteria provided, single submitter. Criteria: CeGaT Center For Human Genetics Tuebingen Variant Classification Criteria Version 2. Collection method: clinical testing. Allele origin: germline. Affected: yes. Observed: 1 variant allele.
Comment: MRPS2: BP4, BP7